The following is an entry in ClinVar:

NM_001164508.2(NEB):c.1928del (p.Lys643fs)

Gene: NEB (nebulin; minus strand). Cytogenetic location: 2q23.3.
Variant type: Deletion.
Coding change: c.1928del on transcript NM_001164508.2 (MANE Select); coding-DNA position 1928, one base deleted (A; older notation c.1928delA).
Protein change: p.Lys643fs; shifts the reading frame from lysine 643.
Molecular consequence: frameshift variant.
Genome position (GRCh38, 1-based): chr2:151,692,331, T deleted on the plus strand (A on the coding strand, the reverse complement: NEB is on the minus strand); the first of 3 consecutive T bases (chr2:151,692,331-151,692,333); deleting any one gives the same sequence. VCF-style (leftmost placement, unchanged base first): chr2-151692330-CT-C. GRCh37 (hg19) VCF-style: chr2-152548844-CT-C.
Other names: c.1928del, p.Lys643fs (NM_001164507.2, NM_001271208.2, NM_004543.5); c.1926delA, p.Lys643Argfs (NM_001271208.1); short protein forms K643fs.
Identifiers: ClinVar variation 4814741 (VCV004814741.1).

ClinVar aggregate classification (germline): Likely pathogenic (1 of 4 stars; one submission).

Conditions:
Nemaline myopathy 2 (NEM2). Also called: Nemaline myopathy 2, autosomal recessive. Identifiers: MedGen C1850569, MONDO:0009725, OMIM 256030.

Submission:

Natera, Inc.
Classification: Likely pathogenic for Nemaline myopathy type 2. Last evaluated: 2025-08-06. Review status: criteria provided, single submitter. Criteria: Natera Variant Classification Schema (03/2026). Collection method: clinical testing. Allele origin: germline.
Comment: The c.1928del variant in NEB is a frameshift variant predicted to shift the reading frame beginning at codon 643 and leads to a stop codon 5 codons downstream. This variant is expected to result in nonsense mediated decay, truncation, or a dysfunctional protein product. This variant is rare in the general population with a frequency below the threshold expected for the associated phenotype(s). Given the available evidence, this variant is classified as Likely Pathogenic.